The following is an entry in ClinVar:

NM_020975.6(RET):c.458C>A (p.Ser153Tyr)

Gene: RET (ret proto-oncogene; plus strand). Cytogenetic location: 10q11.21.
Variant type: single nucleotide variant.
Coding change: c.458C>A on transcript NM_020975.6 (MANE Select); coding-DNA position 458, C replaced by A.
Protein change: p.Ser153Tyr; replaces serine 153 with tyrosine.
Molecular consequence: missense variant. On other transcripts: intron variant (22).
Genome position (GRCh38, 1-based): chr10:43,102,462, C>A. VCF-style: chr10-43102462-C-A. GRCh37 (hg19) VCF-style: chr10-43597910-C-A.
Other names: c.458C>A, p.Ser153Tyr (NM_000323.2, NM_001406743.1, NM_001406744.1 and 16 more transcripts); c.338-9C>A (NM_001406764.1, NM_001406762.1, NM_001406761.1 and 4 more transcripts); c.337+1740C>A (NM_001406770.1, NM_001406766.1, NM_001406767.1 and 8 more transcripts); c.74-6569C>A (NM_001406784.1); c.74-9637C>A (NM_001406794.1, NM_001406792.1, NM_001406793.1); short protein forms S153Y.
Identifiers: ClinVar variation 3074062 (VCV003074062.1), dbSNP rs2132681099, ClinGen allele CA376770875.
Genomic context (GRCh38, chr10:43,102,462, plus strand): 5'-GTGAGGGCGAGTGCCAGTGGCCAGGCTGTGCCCGCGTATACTTCTCCTTCTTCAACACCT[C>A]CTTTCCAGCCTGCAGCTCCCTCAAGCCCCGGGAGCTCTGCTTCCCAGAGACAAGGCCCTC-3'
Protein context (NP_066124.1, residues 143-163): ARVYFSFFNT[Ser153Tyr]FPACSSLKPR

ClinVar aggregate classification (germline): Uncertain significance (1 of 4 stars; one submission).

Conditions:
Multiple endocrine neoplasia, type 2 (MEN2). Identifiers: Orphanet 653, MedGen C4048306, MONDO:0019003. Disease mechanism: gain of function.

Submission:

All of Us Research Program, National Institutes of Health
Classification: Uncertain significance for Multiple endocrine neoplasia, type 2. Last evaluated: 2023-10-23. Review status: criteria provided, single submitter. Criteria: ACMG Guidelines, 2015. Collection method: clinical testing. Allele origin: germline. Inheritance: Autosomal dominant inheritance. Observed: 1 variant allele, 1 heterozygote.
Comment: This missense variant replaces serine with tyrosine at codon 153 of the RET protein. Computational prediction suggests that this variant may not impact protein structure and function (internally defined REVEL score threshold <= 0.5, PMID: 27666373). To our knowledge, functional studies have not been reported for this variant. This variant has not been reported in individuals affected with RET-related disorders in the literature. This variant has not been identified in the general population by the Genome Aggregation Database (gnomAD). The available evidence is insufficient to determine the role of this variant in disease conclusively. Therefore, this variant is classified as a Variant of Uncertain Significance.

This study involves interpretation of variants in research participants for the purpose of population health screening. Participant phenotype was not available at the time of variant classification. Additional details can be found in publication PMID: 35346344, PMCID: PMC8962531